The following is an entry in ClinVar:

ClinVar aggregate classification (germline): Likely benign (0 of 4 stars; one submission).

Conditions:
CRY1-related disorder. Also called: CRY1-related condition.

Allele frequency attached by ClinVar (database versions not stated): gnomAD 0.00009; TOPMed 0.00009; ExAC 0.00011; gnomAD exomes 0.00015; ESP Exome Variant Server 0.00023.
gnomAD v4.1: 233 of 1,614,146 alleles (0.014%); highest among the groups gnomAD compares: Admixed American, 0.018%; no homozygotes.

Submission:

PreventionGenetics, part of Exact Sciences
Classification: Likely benign for CRY1-related condition. Last evaluated: 2019-05-01. Review status: no assertion criteria provided. Collection method: clinical testing. Allele origin: germline.
Comment: This variant is classified as likely benign based on ACMG/AMP sequence variant interpretation guidelines (Richards et al. 2015 PMID: 25741868, with internal and published modifications).

NM_004075.5(CRY1):c.897A>G (p.Ala299=)

Gene: CRY1 (cryptochrome circadian regulator 1; minus strand). Cytogenetic location: 12q23.3.
Variant type: single nucleotide variant.
Coding change: c.897A>G on transcript NM_004075.5 (MANE Select); coding-DNA position 897, A replaced by G.
Protein change: p.Ala299=; no amino-acid change (alanine 299 retained).
Molecular consequence: synonymous variant. On other transcripts: non-coding transcript variant (1).
Genome position (GRCh38, 1-based): chr12:106,999,791, T>C on the plus strand (A>G on the coding strand, the complement: CRY1 is on the minus strand). VCF-style: chr12-106999791-T-C. GRCh37 (hg19) VCF-style: chr12-107393569-T-C.
Other names: c.897A>G, p.Ala299= (NM_001413458.1, NM_001413459.1, NM_001413460.1 and 2 more transcripts); c.891A>G, p.Ala297= (NM_001413463.1); c.813A>G, p.Ala271= (NM_001413464.1, NM_001413465.1); c.510A>G, p.Ala170= (NM_001413466.1); c.420A>G, p.Ala140= (NM_001413467.1, NM_001413468.1, NM_001413469.1 and 1 more transcripts).
Identifiers: ClinVar variation 3057228 (VCV003057228.2), dbSNP rs147009541, ClinGen allele CA6764163.